The following is an entry in ClinVar:

ClinVar aggregate classification (germline): Conflicting classifications of pathogenicity. Review status: criteria provided, conflicting classifications (1 of 4 stars). 2 submissions from 2 submitters: Uncertain significance (1); Likely benign (1). Last evaluated 2025-08-09.

Conditions:
Inborn genetic diseases. Identifiers: MedGen C0950123, MeSH D030342.

Allele frequency attached by ClinVar (database versions not stated): ESP Exome Variant Server 0.00008; gnomAD 0.00005; ExAC 0.00002; gnomAD exomes 0.00004; TOPMed 0.00004.
gnomAD v4.1: 71 of 1,613,836 alleles (0.0044%); highest among the groups gnomAD compares: Admixed American, 0.012%; no homozygotes.

Submissions (2):

Ambry Genetics
Classification: Likely benign for Inborn genetic diseases. Last evaluated: 2025-08-09. Review status: criteria provided, single submitter. Criteria: Ambry Variant Classification Scheme 2023. Collection method: clinical testing. Allele origin: germline.

Labcorp Genetics (formerly Invitae), Labcorp
Classification: Uncertain significance. Last evaluated: 2025-02-24. Review status: criteria provided, single submitter. Criteria: Invitae Variant Classification Sherloc (09022015). Collection method: clinical testing. Allele origin: germline.
Comment: This sequence change replaces arginine, which is basic and polar, with cysteine, which is neutral and slightly polar, at codon 817 of the AUTS2 protein (p.Arg817Cys). This variant is present in population databases (rs372882374, gnomAD 0.006%). This variant has not been reported in the literature in individuals affected with AUTS2-related conditions. ClinVar contains an entry for this variant (Variation ID: 3008758). Invitae Evidence Modeling of protein sequence and biophysical properties (such as structural, functional, and spatial information, amino acid conservation, physicochemical variation, residue mobility, and thermodynamic stability) indicates that this missense variant is expected to disrupt AUTS2 protein function with a positive predictive value of 80%. In summary, the available evidence is currently insufficient to determine the role of this variant in disease. Therefore, it has been classified as a Variant of Uncertain Significance.

NM_015570.4(AUTS2):c.2449C>T (p.Arg817Cys)

Gene: AUTS2 (activator of transcription and developmental regulator AUTS2; plus strand). Cytogenetic location: 7q11.22.
Variant type: single nucleotide variant.
Coding change: c.2449C>T on transcript NM_015570.4 (MANE Select); coding-DNA position 2449, C replaced by T.
Protein change: p.Arg817Cys; replaces arginine 817 with cysteine.
Molecular consequence: missense variant.
Genome position (GRCh38, 1-based): chr7:70,787,349, C>T. VCF-style: chr7-70787349-C-T. GRCh37 (hg19) VCF-style: chr7-70252335-C-T.
Other names: c.2377C>T, p.Arg793Cys (NM_001127231.3); c.2449C>T (NM_015570.2); short protein forms R793C, R817C.
Identifiers: ClinVar variation 3008758 (VCV003008758.4), dbSNP rs372882374, ClinGen allele CA4281065.
Genomic context (GRCh38, chr7:70,787,349, plus strand): 5'-CACCGAACGCCTCCGTCGTTCCCGACCCCTCCGCCCTGGCTGAAGCCAGGGGAGCTGGAG[C>T]GCAGCGCGTCCGCTGCAGCTCATGACAGAGATAGAGATGTAGATAAACGAGACTCATCTG-3'
Protein context (NP_056385.1, residues 807-827): PPWLKPGELE[Arg817Cys]SASAAAHDRD